The following is an entry in ClinVar:

NM_000138.5(FBN1):c.6051T>G (p.Cys2017Trp)

Gene: FBN1 (fibrillin 1; minus strand). Cytogenetic location: 15q21.1.
Variant type: single nucleotide variant.
Coding change: c.6051T>G on transcript NM_000138.5 (MANE Select); coding-DNA position 6051, T replaced by G.
Protein change: p.Cys2017Trp; replaces cysteine 2017 with tryptophan.
Molecular consequence: missense variant.
Genome position (GRCh38, 1-based): chr15:48,441,833, A>C on the plus strand (T>G on the coding strand, the complement: FBN1 is on the minus strand). VCF-style: chr15-48441833-A-C. GRCh37 (hg19) VCF-style: chr15-48734030-A-C.
Other names: short protein forms C2017W.
Identifiers: ClinVar variation 576463 (VCV000576463.27), dbSNP rs1566897420, ClinGen allele CA392338598.

ClinVar aggregate classification (germline): Pathogenic. Review status: criteria provided, multiple submitters, no conflicts (2 of 4 stars). 4 submissions from 4 submitters: Pathogenic (4). Last evaluated 2025-01-10.

Conditions:
Marfan syndrome (MFS). Also called: FBN1-Related Marfan Syndrome; Marfan syndrome type 1; Marfan's syndrome; Marfan syndrome, classic; MARFAN SYNDROME, TYPE I. Identifiers: Orphanet 284963, Orphanet 558, MedGen C0024796, MONDO:0007947, OMIM 154700.
Familial thoracic aortic aneurysm and aortic dissection (TAAD). Also called: Thoracic aortic aneurysms and dissections. Identifiers: Orphanet 91387, MedGen C4707243, MONDO:0019625.
Marfan Syndrome/Loeys-Dietz Syndrome/Familial Thoracic Aortic Aneurysms and Dissections. Identifiers: MedGen CN229799.

Submissions (4):

GeneDx
Classification: Pathogenic. Last evaluated: 2025-01-10. Review status: criteria provided, single submitter. Criteria: GeneDx Variant Classification Process June 2021. Collection method: clinical testing. Allele origin: germline. Affected: yes.
Comment: Not observed at significant frequency in large population cohorts (gnomAD); Affects a cysteine residue within an EGF-like domain of the FBN1 gene, which may affect disulfide bonding and is predicted to alter the structure and function of the protein; cysteine substitutions in the EGF-like domains represent the majority of pathogenic missense changes associated with FBN1-related disorders (PMID: 12938084); In silico analysis supports that this missense variant has a deleterious effect on protein structure/function; This variant is associated with the following publications: (PMID: 25907466, 35058154, 12938084)

Women's Health and Genetics/Laboratory Corporation of America, LabCorp
Classification: Pathogenic for Marfan Syndrome/Loeys-Dietz Syndrome/Familial Thoracic Aortic Aneurysms and Dissections. Last evaluated: 2024-11-18. Review status: criteria provided, single submitter. Criteria: LabCorp Variant Classification Summary - May 2015. Collection method: clinical testing. Allele origin: germline.
Comment: Variant summary: FBN1 c.6051T>G (p.Cys2017Trp) results in a non-conservative amino acid change located in the Calcium-binding EGF-like domain (IPR001881) of the encoded protein sequence. Missense mutations affecting or creating cysteine residues are listed among the criteria for a causal FBN1 mutation when identified as de novo (with proven paternity) in the revised Ghent criteria for the diagnosis of Marfan and related conditions (Loeys 2010). Five of five in-silico tools predict a damaging effect of the variant on protein function. The variant was absent in 250566 control chromosomes. c.6051T>G has been reported in the literature in at least one individual affected with Marfan Syndrome (Meester_2022). Other variants affecting the same codon have been classified as pathogenic (c.6050G>A (p.Cys2017Tyr), c.6049T>C (p.Cys2017Arg)), supporting the critical relevance of codon 2017 to FBN1 protein function. The following publication has been ascertained in the context of this evaluation (PMID: 35058154). ClinVar contains an entry for this variant (Variation ID: 576463). Based on the evidence outlined above, the variant was classified as pathogenic.

Labcorp Genetics (formerly Invitae), Labcorp
Classification: Pathogenic for Marfan syndrome; Familial thoracic aortic aneurysm and aortic dissection. Last evaluated: 2024-04-02. Review status: criteria provided, single submitter. Criteria: Invitae Variant Classification Sherloc (09022015). Collection method: clinical testing. Allele origin: germline.
Comment: This sequence change replaces cysteine, which is neutral and slightly polar, with tryptophan, which is neutral and slightly polar, at codon 2017 of the FBN1 protein (p.Cys2017Trp). This variant is not present in population databases (gnomAD no frequency). This missense change has been observed in individual(s) with Marfan syndrome (PMID: 25907466). ClinVar contains an entry for this variant (Variation ID: 576463). Advanced modeling of protein sequence and biophysical properties (such as structural, functional, and spatial information, amino acid conservation, physicochemical variation, residue mobility, and thermodynamic stability) performed at Invitae indicates that this missense variant is expected to disrupt FBN1 protein function with a positive predictive value of 95%. This variant affects a cysteine residue in the EGF-like, TGFBP or hybrid motif domains of FBN1. Cysteine residues are believed to be involved in intramolecular disulfide bridges and have been shown to be important for FBN1 protein structure (PMID: 16905551, 19349279). In addition, missense substitutions affecting cysteine residues within these domains are significantly overrepresented among patients with Marfan syndrome (PMID: 16571647, 17701892). This variant disrupts the p.Cys2017 amino acid residue in FBN1. Other variant(s) that disrupt this residue have been observed in individuals with FBN1-related conditions (PMID: 25907466; Invitae), which suggests that this may be a clinically significant amino acid residue. For these reasons, this variant has been classified as Pathogenic.

Centre of Medical Genetics, University of Antwerp
Classification: Pathogenic for Marfan syndrome. Last evaluated: 2021-03-01. Review status: criteria provided, single submitter. Criteria: Submitter's publication. Collection method: research. Allele origin: unknown. Affected: yes.
Comment: PM2, PVS2, PP4

Literature cited by the submitters: PubMed 35058154 (cited by Women's Health and Genetics/Laboratory Corporation of America, LabCorp); PubMed 25907466 (cited by Labcorp Genetics (formerly Invitae), Labcorp); PubMed 16905551 (cited by Labcorp Genetics (formerly Invitae), Labcorp); PubMed 19349279 (cited by Labcorp Genetics (formerly Invitae), Labcorp); PubMed 16571647 (cited by Labcorp Genetics (formerly Invitae), Labcorp); PubMed 17701892 (cited by Labcorp Genetics (formerly Invitae), Labcorp).